The following is an entry in ClinVar:

ClinVar aggregate classification (germline): Conflicting classifications of pathogenicity. Review status: criteria provided, conflicting classifications (1 of 4 stars). 13 submissions from 13 submitters: Uncertain significance (1); Benign (2); Likely benign (5). 5 of the submissions do not count toward it. Last evaluated 2025-12-19.

Conditions:
JPH2-related disorder. Also called: JPH2-related condition.
Cardiovascular phenotype. Identifiers: MedGen CN230736.
Hypertrophic cardiomyopathy 17. Identifiers: MedGen C3151264, MONDO:0013474, OMIM 613873.
Hypertrophic cardiomyopathy. Also called: HYPERTROPHIC MYOCARDIOPATHY. Identifiers: Orphanet 217569, MedGen C0007194, MeSH D002312, MONDO:0005045, HP:0001639.

Allele frequency attached by ClinVar (database versions not stated): ExAC 0.00010; gnomAD exomes 0.00029 and 0.00081; TOPMed 0.00041; gnomAD 0.00044.
gnomAD v4.1: 1,185 of 1,539,352 alleles (0.077%); highest among the groups gnomAD compares: Non-Finnish European, 0.097%; 1 homozygote.

Submissions (13):

Labcorp Genetics (formerly Invitae), Labcorp
Classification: Likely benign for Hypertrophic cardiomyopathy. Last evaluated: 2025-12-19. Review status: criteria provided, single submitter. Criteria: Invitae Variant Classification Sherloc (09022015). Collection method: clinical testing. Allele origin: germline.

Molecular Diagnostic Laboratory for Inherited Cardiovascular Disease, Montreal Heart Institute
Classification: Likely benign. Last evaluated: 2025-04-08. Review status: criteria provided, single submitter. Criteria: ACMG Guidelines, 2015. Collection method: clinical testing. Allele origin: germline. Affected: no.

Blueprint Genetics
Classification: Likely benign. Last evaluated: 2024-10-09. Review status: criteria provided, single submitter. Criteria: ACMG Guidelines, 2015. Collection method: clinical testing. Allele origin: germline.

Women's Health and Genetics/Laboratory Corporation of America, LabCorp
Classification: Benign. Last evaluated: 2024-03-30. Review status: criteria provided, single submitter. Criteria: LabCorp Variant Classification Summary - May 2015. Collection method: clinical testing. Allele origin: germline.

Ambry Genetics
Classification: Likely benign for Cardiovascular phenotype. Last evaluated: 2017-06-29. Review status: criteria provided, single submitter. Criteria: Ambry Variant Classification Scheme 2023. Collection method: clinical testing. Allele origin: germline.

Clinical Genetics DNA and cytogenetics Diagnostics Lab, Erasmus MC, Erasmus Medical Center
Classification: Likely benign for Hypertrophic cardiomyopathy 17. Last evaluated: 2015-09-21. Review status: criteria provided, single submitter. Criteria: ACGS Guidelines, 2013. Collection method: clinical testing. Allele origin: germline. Affected: yes. Study: VKGL Data-share Consensus.

GeneDx
Classification: Benign. Last evaluated: 2015-07-28. Review status: criteria provided, single submitter. Criteria: GeneDx Variant Classification (06012015). Collection method: clinical testing. Allele origin: germline. Affected: yes.
Comment: This variant is considered likely benign or benign based on one or more of the following criteria: it is a conservative change, it occurs at a poorly conserved position in the protein, it is predicted to be benign by multiple in silico algorithms, and/or has population frequency not consistent with disease.

Eurofins Ntd Llc (ga)
Classification: Uncertain significance. Last evaluated: 2015-02-23. Review status: criteria provided, single submitter. Criteria: EGL Classification Definitions 2015. Collection method: clinical testing. Allele origin: germline. Observed: 1 variant allele, 1 heterozygote.

PreventionGenetics, part of Exact Sciences
Classification: Likely benign for JPH2-related condition. Last evaluated: 2023-12-11. Review status: no assertion criteria provided. Collection method: clinical testing. Allele origin: germline. Not counted in ClinVar's aggregate classification.
Comment: This variant is classified as likely benign based on ACMG/AMP sequence variant interpretation guidelines (Richards et al. 2015 PMID: 25741868, with internal and published modifications).

Clinical Genetics, Academic Medical Center
Classification: Benign. Review status: no assertion criteria provided. Collection method: clinical testing. Allele origin: germline. Affected: yes. Study: VKGL Data-share Consensus. Not counted in ClinVar's aggregate classification.

Diagnostic Laboratory, Department of Genetics, University Medical Center Groningen
Classification: Likely benign for Hypertrophic cardiomyopathy 17. Review status: no assertion criteria provided. Collection method: clinical testing. Allele origin: germline. Affected: yes. Study: VKGL Data-share Consensus. Not counted in ClinVar's aggregate classification.

Genome Diagnostics Laboratory, University Medical Center Utrecht
Classification: Benign. Review status: no assertion criteria provided. Collection method: clinical testing. Allele origin: germline. Affected: yes. Study: VKGL Data-share Consensus. Not counted in ClinVar's aggregate classification.

Joint Genome Diagnostic Labs from Nijmegen and Maastricht, Radboudumc and MUMC+
Classification: Likely benign. Review status: no assertion criteria provided. Collection method: clinical testing. Allele origin: germline. Affected: yes. Study: VKGL Data-share Consensus. Not counted in ClinVar's aggregate classification.

NM_020433.5(JPH2):c.1380G>A (p.Ala460=)

Gene: JPH2 (junctophilin 2; minus strand). Cytogenetic location: 20q13.12.
Variant type: single nucleotide variant.
Coding change: c.1380G>A on transcript NM_020433.5 (MANE Select); coding-DNA position 1380, G replaced by A.
Protein change: p.Ala460=; no amino-acid change (alanine 460 retained).
Molecular consequence: synonymous variant.
Genome position (GRCh38, 1-based): chr20:44,116,295, C>T on the plus strand (G>A on the coding strand, the complement: JPH2 is on the minus strand). VCF-style: chr20-44116295-C-T. GRCh37 (hg19) VCF-style: chr20-42744935-C-T.
Identifiers: ClinVar variation 197322 (VCV000197322.32), dbSNP rs531877510, ClinGen allele CA245390.